The following is an entry in ClinVar:

NM_002386.4(MC1R):c.792C>T (p.Ile264=)

Gene: MC1R (melanocortin 1 receptor; plus strand). Cytogenetic location: 16q24.3.
Variant type: single nucleotide variant.
Coding change: c.792C>T on transcript NM_002386.4 (MANE Select); coding-DNA position 792, C replaced by T.
Protein change: p.Ile264=; no amino-acid change (isoleucine 264 retained).
Molecular consequence: synonymous variant.
Genome position (GRCh38, 1-based): chr16:89,920,050, C>T. VCF-style: chr16-89920050-C-T. GRCh37 (hg19) VCF-style: chr16-89986458-C-T.
Identifiers: ClinVar variation 321440 (VCV000321440.56), dbSNP rs181269865, ClinGen allele CA8255748.

ClinVar aggregate classification (germline): Benign/Likely benign. Review status: criteria provided, multiple submitters, no conflicts (2 of 4 stars). 8 submissions from 8 submitters: Benign (2); Likely benign (4). 2 of the submissions do not count toward it. Last evaluated 2026-01-04.

Conditions:
Melanoma, cutaneous malignant, susceptibility to, 5. Also called: Cutaneous malignant melanoma 5. Identifiers: Orphanet 618, MedGen C2751295, MONDO:0013133, OMIM 613099.

Allele frequency attached by ClinVar (database versions not stated): TOPMed 0.00071; ESP Exome Variant Server 0.00095; 1000 Genomes Project 0.00120; 1000 Genomes Project 30x 0.00125; gnomAD 0.00198 and 0.00205; ExAC 0.00217; gnomAD exomes 0.00235.
gnomAD v4.1: 2,526 of 1,613,824 alleles (0.16%); highest among the groups gnomAD compares: Non-Finnish European, 0.12%; 8 homozygotes.

Submissions (8):

Labcorp Genetics (formerly Invitae), Labcorp
Classification: Benign for Melanoma, cutaneous malignant, susceptibility to, 5. Last evaluated: 2026-01-04. Review status: criteria provided, single submitter. Criteria: Invitae Variant Classification Sherloc (09022015). Collection method: clinical testing. Allele origin: germline.

Blueprint Genetics
Classification: Likely benign. Last evaluated: 2024-11-21. Review status: criteria provided, single submitter. Criteria: ACMG Guidelines, 2015. Collection method: clinical testing. Allele origin: germline.

Ambry Genetics
Classification: Likely benign. Last evaluated: 2024-10-04. Review status: criteria provided, single submitter. Criteria: Ambry Variant Classification Scheme 2023. Collection method: clinical testing. Allele origin: germline.

CeGaT Center for Human Genetics Tuebingen
Classification: Likely benign. Last evaluated: 2022-06-01. Review status: criteria provided, single submitter. Criteria: CeGaT Center For Human Genetics Tuebingen Variant Classification Criteria Version 2. Collection method: clinical testing. Allele origin: germline. Affected: yes. Observed: 5 variant alleles.
Comment: MC1R: BP4, BP7

GeneDx
Classification: Benign. Last evaluated: 2021-06-23. Review status: criteria provided, single submitter. Criteria: GeneDx Variant Classification Process June 2021. Collection method: clinical testing. Allele origin: germline. Affected: yes.
Comment: This variant is associated with the following publications: (PMID: 23360207, 28059796, 27924526, 11254446, 24982914, 15221796, 20629734, 16172233, 11511307)

Illumina Laboratory Services, Illumina
Classification: Likely benign for Melanoma, cutaneous malignant, susceptibility to, 5. Last evaluated: 2017-04-27. Review status: criteria provided, single submitter. Criteria: ICSL Variant Classification Criteria 13 December 2019. Collection method: clinical testing. Allele origin: germline.
Comment: This variant was observed as part of a predisposition screen in an ostensibly healthy population. A literature search was performed for the gene, cDNA change, and amino acid change (where applicable). Publications were found based on this search. The evidence from the literature, in combination with allele frequency data from public databases where available, was sufficient to determine this variant is unlikely to cause disease. Therefore, this variant is classified as likely benign.

Clinical Genetics DNA and cytogenetics Diagnostics Lab, Erasmus MC, Erasmus Medical Center
Classification: Likely benign. Review status: no assertion criteria provided. Collection method: clinical testing. Allele origin: germline. Affected: yes. Study: VKGL Data-share Consensus. Not counted in ClinVar's aggregate classification.

Clinical Genetics, Academic Medical Center
Classification: Benign. Review status: no assertion criteria provided. Collection method: clinical testing. Allele origin: germline. Affected: yes. Study: VKGL Data-share Consensus. Not counted in ClinVar's aggregate classification.

Literature cited by the submitters: PubMed 20876876 (cited by Illumina Laboratory Services, Illumina); PubMed 19585506 (cited by Illumina Laboratory Services, Illumina).